The following is an entry in ClinVar:

NM_000536.4(RAG2):c.458G>A (p.Gly153Asp)

Gene: RAG2 (recombination activating 2; minus strand). Cytogenetic location: 11p12.
Variant type: single nucleotide variant.
Coding change: c.458G>A on transcript NM_000536.4 (MANE Select); coding-DNA position 458, G replaced by A.
Protein change: p.Gly153Asp; replaces glycine 153 with aspartic acid.
Molecular consequence: missense variant.
Genome position (GRCh38, 1-based): chr11:36,593,711, C>T on the plus strand (G>A on the coding strand, the complement: RAG2 is on the minus strand). VCF-style: chr11-36593711-C-T. GRCh37 (hg19) VCF-style: chr11-36615261-C-T.
Other names: c.458G>A, p.Gly153Asp (NM_001243785.2, NM_001243786.2); short protein forms G153D.
Identifiers: ClinVar variation 3753749 (VCV003753749.2).

ClinVar aggregate classification (germline): Uncertain significance (1 of 4 stars; one submission).

Conditions:
Severe combined immunodeficiency, autosomal recessive, T cell-negative, B cell-negative, NK cell-positive. Also called: SCID, AR, T-cell negative, B-cell negative, NK cell-positive; SCID, T CELL-NEGATIVE, B CELL-NEGATIVE, NK CELL-POSITIVE; Severe combined immunodeficiency due to complete RAG1/2 deficiency. Identifiers: Orphanet 331206, MedGen C1832322, MONDO:0011086, OMIM 601457.
Combined immunodeficiency with skin granulomas. Identifiers: Orphanet 157949, MedGen C2673536, MONDO:0009306, OMIM 233650.

Submission:

Labcorp Genetics (formerly Invitae), Labcorp
Classification: Uncertain significance for Combined immunodeficiency with skin granulomas; Severe combined immunodeficiency, autosomal recessive, T cell-negative, B cell-negative, NK cell-positive. Last evaluated: 2024-02-14. Review status: criteria provided, single submitter. Criteria: Invitae Variant Classification Sherloc (09022015). Collection method: clinical testing. Allele origin: germline.
Comment: This sequence change replaces glycine, which is neutral and non-polar, with aspartic acid, which is acidic and polar, at codon 153 of the RAG2 protein (p.Gly153Asp). This variant is not present in population databases (gnomAD no frequency). This missense change has been observed in individual(s) with clinical features of RAG2-related conditions (Invitae). In at least one individual the data is consistent with being in trans (on the opposite chromosome) from a pathogenic variant. Advanced modeling of protein sequence and biophysical properties (such as structural, functional, and spatial information, amino acid conservation, physicochemical variation, residue mobility, and thermodynamic stability) has been performed at Invitae for this missense variant, however the output from this modeling did not meet the statistical confidence thresholds required to predict the impact of this variant on RAG2 protein function. In summary, the available evidence is currently insufficient to determine the role of this variant in disease. Therefore, it has been classified as a Variant of Uncertain Significance.